The following is an entry in ClinVar:

ClinVar aggregate classification (germline): Conflicting classifications of pathogenicity. Review status: criteria provided, conflicting classifications (1 of 4 stars). 3 submissions from 3 submitters: Uncertain significance (1); Likely benign (2). Last evaluated 2025-05-27.

Conditions:
Neurofibromatosis, type 2 (SWNV). Also called: BILATERAL ACOUSTIC NEUROFIBROMATOSIS; SCHWANNOMATOSIS, VESTIBULAR; NF2-Related Schwannomatosis. Identifiers: Orphanet 637, MedGen C0027832, MONDO:0007039, OMIM 101000. Disease mechanism: loss of function.
Hereditary cancer-predisposing syndrome. Also called: Tumor predisposition; Neoplastic Syndromes, Hereditary; Hereditary Cancer Syndrome; Hereditary neoplastic syndrome. Identifiers: Orphanet 140162, MedGen C0027672, MeSH D009386, MONDO:0015356.

Allele frequency attached by ClinVar (database versions not stated): TOPMed 0.00001.
gnomAD v4.1: 23 of 1,614,150 alleles (0.0014%); highest among the groups gnomAD compares: Non-Finnish European, 0.0019%; no homozygotes.

Submissions (3):

Labcorp Genetics (formerly Invitae), Labcorp
Classification: Likely benign for Neurofibromatosis, type 2. Last evaluated: 2025-05-27. Review status: criteria provided, single submitter. Criteria: Invitae Variant Classification Sherloc (09022015). Collection method: clinical testing. Allele origin: germline.

All of Us Research Program, National Institutes of Health
Classification: Uncertain significance for Neurofibromatosis, type 2. Last evaluated: 2023-06-08. Review status: criteria provided, single submitter. Criteria: ACMG Guidelines, 2015. Collection method: clinical testing. Allele origin: germline. Inheritance: Autosomal dominant inheritance. Observed: 1 variant allele, 1 heterozygote.
Comment: This missense variant replaces proline with serine at codon 490 of the NF2 protein. Computational prediction suggests that this variant may not impact protein structure and function (internally defined REVEL score threshold <= 0.5, PMID: 27666373). To our knowledge, functional studies have not been reported for this variant. This variant has not been reported in individuals affected with NF2-related disorders in the literature. This variant has been identified in 3/251496 chromosomes in the general population by the Genome Aggregation Database (gnomAD). The available evidence is insufficient to determine the role of this variant in disease conclusively. Therefore, this variant is classified as a Variant of Uncertain Significance.

This study involves interpretation of variants in research participants for the purpose of population health screening. Participant phenotype was not available at the time of variant classification. Additional details can be found in publication PMID: 35346344, PMCID: PMC8962531

Ambry Genetics
Classification: Likely benign for Hereditary cancer-predisposing syndrome. Last evaluated: 2021-12-20. Review status: criteria provided, single submitter. Criteria: Ambry Variant Classification Scheme 2023. Collection method: clinical testing. Allele origin: germline.

NM_000268.4(NF2):c.1468C>T (p.Pro490Ser)

Gene: NF2 (NF2, moesin-ezrin-radixin like (MERLIN) tumor suppressor; plus strand). Cytogenetic location: 22q12.2.
Variant type: single nucleotide variant.
Coding change: c.1468C>T on transcript NM_000268.4 (MANE Select); coding-DNA position 1468, C replaced by T.
Protein change: p.Pro490Ser; replaces proline 490 with serine.
Molecular consequence: missense variant. On other transcripts: non-coding transcript variant (1), intron variant (1).
Genome position (GRCh38, 1-based): chr22:29,678,217, C>T. VCF-style: chr22-29678217-C-T. GRCh37 (hg19) VCF-style: chr22-30074206-C-T.
Other names: c.1468C>T, p.Pro490Ser (NM_016418.5, NM_181825.3, NM_181832.3); c.1342C>T, p.Pro448Ser (NM_181828.3); c.1345C>T, p.Pro449Ser (NM_181829.3); c.1219C>T, p.Pro407Ser (NM_181830.3, NM_181831.3); c.448-16535C>T (NM_181833.3); short protein forms P407S, P490S, P448S, P449S.
Identifiers: ClinVar variation 660588 (VCV000660588.10), dbSNP rs776076922, ClinGen allele CA031739.